The following is an entry in ClinVar:

ClinVar aggregate classification (germline): Uncertain significance. Review status: criteria provided, multiple submitters, no conflicts (2 of 4 stars). 2 submissions from 2 submitters: Uncertain significance (2). Last evaluated 2025-01-20.

Conditions:
Hereditary cancer-predisposing syndrome. Also called: Hereditary neoplastic syndrome; Neoplastic Syndromes, Hereditary; Tumor predisposition; Hereditary Cancer Syndrome. Identifiers: Orphanet 140162, MedGen C0027672, MeSH D009386, MONDO:0015356.
Renal cell carcinoma. Identifiers: Orphanet 217071, MedGen C0007134, MeSH D002292, MONDO:0005086, HP:0005584.

Submissions (2):

Ambry Genetics
Classification: Uncertain significance for Hereditary cancer-predisposing syndrome. Last evaluated: 2025-01-20. Review status: criteria provided, single submitter. Criteria: Ambry Variant Classification Scheme 2023. Collection method: clinical testing. Allele origin: germline.
Comment: The p.L1213F variant (also known as c.3637C>T), located in coding exon 17 of the MET gene, results from a C to T substitution at nucleotide position 3637. The leucine at codon 1213 is replaced by phenylalanine, an amino acid with highly similar properties. This amino acid position is highly conserved in available vertebrate species. In addition, this alteration is predicted to be deleterious by in silico analysis. Based on the available evidence, the clinical significance of this variant remains unclear.

Labcorp Genetics (formerly Invitae), Labcorp
Classification: Uncertain significance for Renal cell carcinoma. Last evaluated: 2020-01-29. Review status: criteria provided, single submitter. Criteria: Invitae Variant Classification Sherloc (09022015). Collection method: clinical testing. Allele origin: germline.
Comment: This variant is not present in population databases (ExAC no frequency). In summary, the available evidence is currently insufficient to determine the role of this variant in disease. Therefore, it has been classified as a Variant of Uncertain Significance. Algorithms developed to predict the effect of missense changes on protein structure and function are either unavailable or do not agree on the potential impact of this missense change (SIFT: "Deleterious"; PolyPhen-2: "Probably Damaging"; Align-GVGD: "Class C15"). This variant has not been reported in the literature in individuals with MET-related conditions. ClinVar contains an entry for this variant (Variation ID: 246643). This sequence change replaces leucine with phenylalanine at codon 1213 of the MET protein (p.Leu1213Phe). The leucine residue is highly conserved and there is a small physicochemical difference between leucine and phenylalanine.

NM_000245.4(MET):c.3583C>T (p.Leu1195Phe)

Gene: MET (MET proto-oncogene, receptor tyrosine kinase; plus strand). Cytogenetic location: 7q31.2.
Variant type: single nucleotide variant.
Coding change: c.3583C>T on transcript NM_000245.4 (MANE Select); coding-DNA position 3583, C replaced by T.
Protein change: p.Leu1195Phe; replaces leucine 1195 with phenylalanine.
Molecular consequence: missense variant.
Genome position (GRCh38, 1-based): chr7:116,782,048, C>T. VCF-style: chr7-116782048-C-T. GRCh37 (hg19) VCF-style: chr7-116422102-C-T.
Other names: c.3637C>T (LRG_662t1); c.3637C>T, p.Leu1213Phe (NM_001127500.3); c.2293C>T, p.Leu765Phe (NM_001324402.2); short protein forms L1213F, L765F, L1195F.
Identifiers: ClinVar variation 246643 (VCV000246643.10), dbSNP rs121913673, ClinGen allele CA10584670.